The following is an entry in ClinVar:

NM_001267550.2(TTN):c.81052A>G (p.Thr27018Ala)

Genes: TTN (titin; minus strand), TTN-AS1 (TTN antisense RNA 1; plus strand). Cytogenetic location: 2q31.2.
Variant type: single nucleotide variant.
Coding change: c.81052A>G on transcript NM_001267550.2 (MANE Select); coding-DNA position 81052, A replaced by G.
Protein change: p.Thr27018Ala; replaces threonine 27018 with alanine.
Molecular consequence: missense variant.
Genome position (GRCh38, 1-based): chr2:178,565,080, T>C on the plus strand (A>G on the coding strand, the complement: TTN is on the minus strand). VCF-style: chr2-178565080-T-C. GRCh37 (hg19) VCF-style: chr2-179429807-T-C.
Other names: c.76129A>G, p.Thr25377Ala (NM_001256850.1); c.53857A>G, p.Thr17953Ala (NM_003319.4); c.73348A>G, p.Thr24450Ala (NM_133378.4); c.54232A>G, p.Thr18078Ala (NM_133432.3); c.54433A>G, p.Thr18145Ala (NM_133437.4); short protein forms T17953A, T18078A, T18145A, T24450A, T25377A, T27018A.
Identifiers: ClinVar variation 5037906 (VCV005037906.1).

ClinVar aggregate classification (germline): Likely benign (1 of 4 stars; one submission).

Submission:

Molecular Diagnostic Laboratory for Inherited Cardiovascular Disease, Montreal Heart Institute
Classification: Likely benign. Last evaluated: 2026-09-21. Review status: criteria provided, single submitter. Criteria: ACMG Guidelines, 2015. Collection method: clinical testing. Allele origin: germline. Affected: no.
Comment: BP1,BP4